The following is an entry in ClinVar:

ClinVar aggregate classification (germline): Uncertain significance (1 of 4 stars; one submission).

Conditions:
Multiple endocrine neoplasia, type 2 (MEN2). Identifiers: Orphanet 653, MedGen C4048306, MONDO:0019003. Disease mechanism: gain of function.

Submission:

Labcorp Genetics (formerly Invitae), Labcorp
Classification: Uncertain significance for Multiple endocrine neoplasia, type 2. Last evaluated: 2021-06-16. Review status: criteria provided, single submitter. Criteria: Invitae Variant Classification Sherloc (09022015). Collection method: clinical testing. Allele origin: germline.
Comment: This variant is not present in population databases (ExAC no frequency). This sequence change replaces glycine with serine at codon 69 of the RET protein (p.Gly69Ser). The glycine residue is weakly conserved and there is a small physicochemical difference between glycine and serine. This variant has not been reported in the literature in individuals with RET-related conditions. Algorithms developed to predict the effect of missense changes on protein structure and function (SIFT, PolyPhen-2, Align-GVGD) all suggest that this variant is likely to be tolerated, but these predictions have not been confirmed by published functional studies and their clinical significance is uncertain. In summary, the available evidence is currently insufficient to determine the role of this variant in disease. Therefore, it has been classified as a Variant of Uncertain Significance.

NM_020975.6(RET):c.205G>A (p.Gly69Ser)

Gene: RET (ret proto-oncogene; plus strand). Cytogenetic location: 10q11.21.
Variant type: single nucleotide variant.
Coding change: c.205G>A on transcript NM_020975.6 (MANE Select); coding-DNA position 205, G replaced by A.
Protein change: p.Gly69Ser; replaces glycine 69 with serine.
Molecular consequence: missense variant.
Genome position (GRCh38, 1-based): chr10:43,100,590, G>A. VCF-style: chr10-43100590-G-A. GRCh37 (hg19) VCF-style: chr10-43596038-G-A.
Other names: c.205G>A, p.Gly69Ser (NM_000323.2, NM_001406743.1, NM_001406744.1 and 34 more transcripts); short protein forms G69S.
Identifiers: ClinVar variation 1498747 (VCV001498747.9), dbSNP rs2132661153, ClinGen allele CA376770306.